The following is an entry in ClinVar:

NM_014915.3(ANKRD26):c.3759A>T (p.Glu1253Asp)

Gene: ANKRD26 (ankyrin repeat domain containing 26; minus strand). Cytogenetic location: 10p12.1.
Variant type: single nucleotide variant.
Coding change: c.3759A>T on transcript NM_014915.3 (MANE Select); coding-DNA position 3759, A replaced by T.
Protein change: p.Glu1253Asp; replaces glutamic acid 1253 with aspartic acid.
Molecular consequence: missense variant.
Genome position (GRCh38, 1-based): chr10:27,033,273, T>A on the plus strand (A>T on the coding strand, the complement: ANKRD26 is on the minus strand). VCF-style: chr10-27033273-T-A. GRCh37 (hg19) VCF-style: chr10-27322202-T-A.
Other names: c.3756A>T, p.Glu1252Asp (NM_001256053.2); short protein forms E1252D, E1253D.
Identifiers: ClinVar variation 3870871 (VCV003870871.1).
Genomic context (GRCh38, chr10:27,033,273, plus strand): 5'-TTTCATACATACTTGATTTCTGATTTGACCTAATTTCTTCTTTAAATCCTGTGTCTCATC[T>A]TCTAAATTAATACGATAACGTGACGTAACCTCCAGTGAAGCCTCTGACATAGATTGTTTT-3'
Protein context (NP_055730.2, residues 1243-1263): EVTSRYRINL[Glu1253Asp]DETQDLKKKL

ClinVar aggregate classification (germline): Uncertain significance (1 of 4 stars; one submission).

Conditions:
Inborn genetic diseases. Identifiers: MedGen C0950123, MeSH D030342.

Submission:

Ambry Genetics
Classification: Uncertain significance for Inborn genetic diseases. Last evaluated: 2025-01-30. Review status: criteria provided, single submitter. Criteria: Ambry Variant Classification Scheme 2023. Collection method: clinical testing. Allele origin: germline.
Comment: The p.E1253D variant (also known as c.3759A>T), located in coding exon 25 of the ANKRD26 gene, results from an A to T substitution at nucleotide position 3759. The glutamic acid at codon 1253 is replaced by aspartic acid, an amino acid with highly similar properties. This amino acid position is conserved. In addition, this alteration is predicted to be tolerated by in silico analysis. Based on the available evidence, the clinical significance of this variant remains unclear.